The following is an entry in ClinVar:

ClinVar aggregate classification (germline): Pathogenic. Review status: criteria provided, multiple submitters, no conflicts (2 of 4 stars). 7 submissions from 7 submitters: Pathogenic (7). Last evaluated 2024-10-04.

Conditions:
Kabuki syndrome 1 (KABUK1). Also called: KMT2D-Related Kabuki Syndrome. Identifiers: Orphanet 2322, MedGen CN030661, MONDO:0007843, OMIM 147920.
Branchial cleft anomaly. Also called: BRANCHIAL CLEFT ANOMALIES; Branchial Cleft Remnant. Identifiers: MedGen C0079037, OMIM 113600.
KMT2D-related disorder. Also called: KMT2D-Related Disorders.
Kabuki syndrome. Also called: Kabuki make-up syndrome; NIIKAWA-KUROKI SYNDROME. Identifiers: Orphanet 2322, MedGen C0796004, MONDO:0016512.

Submissions (7):

Dubai Health Genomic Medicine Center, Dubai Health
Classification: Pathogenic for BRANCHIAL CLEFT ANOMALIES. Last evaluated: 2024-10-04. Review status: criteria provided, single submitter. Criteria: ACMG Guidelines, 2015. Collection method: research. Allele origin: germline. Affected: yes.
Comment: PM6 (strong),PS4,PM2,PM5

Labcorp Genetics (formerly Invitae), Labcorp
Classification: Pathogenic for Kabuki syndrome. Last evaluated: 2023-11-03. Review status: criteria provided, single submitter. Criteria: Invitae Variant Classification Sherloc (09022015). Collection method: clinical testing. Allele origin: germline.
Comment: This sequence change replaces arginine, which is basic and polar, with tryptophan, which is neutral and slightly polar, at codon 5432 of the KMT2D protein (p.Arg5432Trp). This variant is not present in population databases (gnomAD no frequency). This missense change has been observed in individual(s) with Kabuki syndrome (PMID: 22786791, 29725259). In at least one individual the variant was observed to be de novo. ClinVar contains an entry for this variant (Variation ID: 633524). Advanced modeling of protein sequence and biophysical properties (such as structural, functional, and spatial information, amino acid conservation, physicochemical variation, residue mobility, and thermodynamic stability) performed at Invitae indicates that this missense variant is expected to disrupt KMT2D protein function with a positive predictive value of 95%. This variant disrupts the p.Arg5432 amino acid residue in KMT2D. Other variant(s) that disrupt this residue have been determined to be pathogenic (PMID: 22740433, 22786791, 27302555, 29725259, 31727177, 32170002). This suggests that this residue is clinically significant, and that variants that disrupt this residue are likely to be disease-causing. For these reasons, this variant has been classified as Pathogenic.

PreventionGenetics, part of Exact Sciences
Classification: Pathogenic for KMT2D-related condition. Last evaluated: 2023-08-30. Review status: criteria provided, single submitter. Criteria: ACMG Guidelines, 2015. Collection method: clinical testing. Allele origin: germline.
Comment: The KMT2D c.16294C>T variant is predicted to result in the amino acid substitution p.Arg5432Trp. This variant has been previously reported as a recurrent de novo variant in individuals with Kabuki syndrome (Tanaka et al. 2012. PubMed ID: 22786791; Patient 1, Table 2 in Porntaveetus et al. 2018. PubMed ID: 29725259; Table2, Shangguan et al. 2019. PubMed ID: 31727177). A different nucleotide change affecting the same amino acid (p.Arg5432Gln) has also been reported in individuals with Kabuki syndrome (Bögershausen et al. 2016. PubMed ID: 27302555; Shangguan. 2019. PubMed ID: 31727177; Kokitsu-Nakata et al. 2012. PubMed ID: 22740433). This variant has not been reported in a large population database, indicating this variant is rare. This variant is interpreted as pathogenic.

Genomics, Genetics and Epigenetics Laboratory, Medical College of Wisconsin
Classification: Pathogenic for Kabuki syndrome 1. Last evaluated: 2023-01-13. Review status: criteria provided, single submitter. Criteria: ACMG Guidelines, 2015. Collection method: research. Allele origin: de novo. Affected: yes.

Center for Personalized Medicine, Children's Hospital Los Angeles
Classification: Pathogenic. Last evaluated: 2022-12-21. Review status: criteria provided, single submitter. Criteria: ACMG Guidelines, 2015. Collection method: clinical testing. Allele origin: de novo. Affected: yes.

GeneDx
Classification: Pathogenic. Last evaluated: 2021-12-03. Review status: criteria provided, single submitter. Criteria: GeneDx Variant Classification Process June 2021. Collection method: clinical testing. Allele origin: germline. Affected: yes.
Comment: Published functional studies demonstrate a damaging effect; in vitro assay revealed significantly reduced enzyme activity (Zhang et al., 2015); Not observed in large population cohorts (Lek et al., 2016); This variant is associated with the following publications: (PMID: 25142838, 26366712, 30459467, 22786791, 27530205, 23320472, 31727177)

Laboratory of Molecular Genetics (Pr. Bezieau's lab), CHU de Nantes
Classification: Pathogenic. Last evaluated: 2018-07-19. Review status: criteria provided, single submitter. Criteria: ACMG Guidelines, 2015. Collection method: clinical testing. Allele origin: germline. Affected: yes.

Literature cited by the submitters: PubMed 22786791 (cited by Labcorp Genetics (formerly Invitae), Labcorp); PubMed 29725259 (cited by Labcorp Genetics (formerly Invitae), Labcorp); PubMed 22740433 (cited by Labcorp Genetics (formerly Invitae), Labcorp); PubMed 27302555 (cited by Labcorp Genetics (formerly Invitae), Labcorp); PubMed 31727177 (cited by Labcorp Genetics (formerly Invitae), Labcorp); PubMed 32170002 (cited by Labcorp Genetics (formerly Invitae), Labcorp); PubMed 36672956 (cited by Genomics, Genetics and Epigenetics Laboratory, Medical College of Wisconsin).

NM_003482.4(KMT2D):c.16294C>T (p.Arg5432Trp)

Gene: KMT2D (lysine methyltransferase 2D; minus strand). Cytogenetic location: 12q13.12.
Variant type: single nucleotide variant.
Coding change: c.16294C>T on transcript NM_003482.4 (MANE Select); coding-DNA position 16294, C replaced by T.
Protein change: p.Arg5432Trp; replaces arginine 5432 with tryptophan.
Molecular consequence: missense variant.
Genome position (GRCh38, 1-based): chr12:49,022,634, G>A on the plus strand (C>T on the coding strand, the complement: KMT2D is on the minus strand). VCF-style: chr12-49022634-G-A. GRCh37 (hg19) VCF-style: chr12-49416417-G-A.
Other names: short protein forms R5432W.
Identifiers: ClinVar variation 633524 (VCV000633524.14), dbSNP rs1565753611, ClinGen allele CA384677611.